The following is an entry in ClinVar:

ClinVar aggregate classification (germline): Uncertain significance (1 of 4 stars; one submission).

Conditions:
Hereditary cancer-predisposing syndrome. Also called: Tumor predisposition; Neoplastic Syndromes, Hereditary; Hereditary Cancer Syndrome; Hereditary neoplastic syndrome. Identifiers: Orphanet 140162, MedGen C0027672, MeSH D009386, MONDO:0015356.

Submission:

Ambry Genetics
Classification: Uncertain significance for Hereditary cancer-predisposing syndrome. Last evaluated: 2025-03-04. Review status: criteria provided, single submitter. Criteria: Ambry Variant Classification Scheme 2023. Collection method: clinical testing. Allele origin: germline.
Comment: The p.P246A variant (also known as c.736C>G), located in coding exon 1 of the MET gene, results from a C to G substitution at nucleotide position 736. The proline at codon 246 is replaced by alanine, an amino acid with highly similar properties. This amino acid position is conserved. In addition, this alteration is predicted to be tolerated by in silico analysis. Based on the available evidence, the clinical significance of this variant remains unclear.

NM_000245.4(MET):c.736C>G (p.Pro246Ala)

Gene: MET (MET proto-oncogene, receptor tyrosine kinase; plus strand). Cytogenetic location: 7q31.2.
Variant type: single nucleotide variant.
Coding change: c.736C>G on transcript NM_000245.4 (MANE Select); coding-DNA position 736, C replaced by G.
Protein change: p.Pro246Ala; replaces proline 246 with alanine.
Molecular consequence: missense variant. On other transcripts: intron variant (1).
Genome position (GRCh38, 1-based): chr7:116,699,820, C>G. VCF-style: chr7-116699820-C-G. GRCh37 (hg19) VCF-style: chr7-116339874-C-G.
Other names: c.736C>G, p.Pro246Ala (NM_001127500.3, NM_001324401.3); c.-91+27243C>G (NM_001324402.2); short protein forms P246A.
Identifiers: ClinVar variation 3872400 (VCV003872400.1).